The following is an entry in ClinVar:

NM_213720.3(CHCHD10):c.389A>G (p.Lys130Arg)

Gene: CHCHD10 (coiled-coil-helix-coiled-coil-helix domain containing 10; minus strand). Cytogenetic location: 22q11.23.
Variant type: single nucleotide variant.
Coding change: c.389A>G on transcript NM_213720.3 (MANE Select); coding-DNA position 389, A replaced by G.
Protein change: p.Lys130Arg; replaces lysine 130 with arginine.
Molecular consequence: missense variant. On other transcripts: non-coding transcript variant (2).
Genome position (GRCh38, 1-based): chr22:23,766,148, T>C on the plus strand (A>G on the coding strand, the complement: CHCHD10 is on the minus strand). VCF-style: chr22-23766148-T-C. GRCh37 (hg19) VCF-style: chr22-24108335-T-C.
Other names: c.410A>G, p.Lys137Arg (NM_001301339.2); short protein forms K137R, K130R.
Identifiers: ClinVar variation 1394238 (VCV001394238.6), dbSNP rs2145924084, ClinGen allele CA410914134.

ClinVar aggregate classification (germline): Uncertain significance (1 of 4 stars; one submission).

Conditions:
Lower motor neuron syndrome with late-adult onset (SMAJ). Also called: Spinal muscular atrophy, Jokela type; Late-Onset Spinal Motor Neuronopathy (SMAJ). Identifiers: Orphanet 276435, MedGen C3554398, MONDO:0014025, OMIM 615048.
Frontotemporal dementia and/or amyotrophic lateral sclerosis 2. Also called: FTDALS2. Identifiers: Orphanet 275872, MedGen C4014648, MONDO:0014395, OMIM 615911.
Autosomal dominant mitochondrial myopathy with exercise intolerance (IMMD). Also called: Myopathy, isolated mitochondrial, autosomal dominant. Identifiers: Orphanet 457050, MedGen C4015513, MONDO:0014532, OMIM 616209.

Allele frequency attached by ClinVar (database versions not stated): gnomAD exomes 0.00001.

Submission:

Labcorp Genetics (formerly Invitae), Labcorp
Classification: Uncertain significance for Lower motor neuron syndrome with late-adult onset; Frontotemporal dementia and/or amyotrophic lateral sclerosis 2; Autosomal dominant mitochondrial myopathy with exercise intolerance. Last evaluated: 2021-11-20. Review status: criteria provided, single submitter. Criteria: Invitae Variant Classification Sherloc (09022015). Collection method: clinical testing. Allele origin: germline.
Comment: This sequence change replaces lysine, which is basic and polar, with arginine, which is basic and polar, at codon 130 of the CHCHD10 protein (p.Lys130Arg). In summary, the available evidence is currently insufficient to determine the role of this variant in disease. Therefore, it has been classified as a Variant of Uncertain Significance. Algorithms developed to predict the effect of missense changes on protein structure and function are either unavailable or do not agree on the potential impact of this missense change (SIFT: "Tolerated"; PolyPhen-2: "Probably Damaging"; Align-GVGD: "Class C0"). This variant has not been reported in the literature in individuals affected with CHCHD10-related conditions. This variant is not present in population databases (gnomAD no frequency).